The following is an entry in ClinVar:

NM_032578.4(MYPN):c.3329G>A (p.Gly1110Asp)

Gene: MYPN (myopalladin; plus strand). Cytogenetic location: 10q21.3.
Variant type: single nucleotide variant.
Coding change: c.3329G>A on transcript NM_032578.4 (MANE Select); coding-DNA position 3329, G replaced by A.
Protein change: p.Gly1110Asp; replaces glycine 1110 with aspartic acid.
Molecular consequence: missense variant. On other transcripts: non-coding transcript variant (2).
Genome position (GRCh38, 1-based): chr10:68,199,411, G>A. VCF-style: chr10-68199411-G-A. GRCh37 (hg19) VCF-style: chr10-69959168-G-A.
Other names: c.3329G>A, p.Gly1110Asp (NM_001256267.2); c.2447G>A, p.Gly816Asp (NM_001256268.2); short protein forms G1110D, G816D.
Identifiers: ClinVar variation 2563964 (VCV002563964.2), dbSNP rs1564697534, ClinGen allele CA376859000.

ClinVar aggregate classification (germline): Uncertain significance (1 of 4 stars; one submission).

Conditions:
Cardiovascular phenotype. Identifiers: MedGen CN230736.

Allele frequency attached by ClinVar (database versions not stated): gnomAD exomes below 0.00001.
gnomAD v4.1: 1 of 1,614,090 alleles (0.000062%); highest among the groups gnomAD compares: African/African-American, 0.0013%; no homozygotes.

Submission:

Ambry Genetics
Classification: Uncertain significance for Cardiovascular phenotype. Last evaluated: 2023-03-21. Review status: criteria provided, single submitter. Criteria: Ambry Variant Classification Scheme 2023. Collection method: clinical testing. Allele origin: germline.
Comment: The p.G1110D variant (also known as c.3329G>A), located in coding exon 16 of the MYPN gene, results from a G to A substitution at nucleotide position 3329. The glycine at codon 1110 is replaced by aspartic acid, an amino acid with similar properties. This amino acid position is conserved. In addition, this alteration is predicted to be deleterious by in silico analysis. Since supporting evidence is limited at this time, the clinical significance of this alteration remains unclear.